The following is an entry in ClinVar:

NM_000039.3(APOA1):c.28G>A (p.Val10Met)

Genes: APOA1 (apolipoprotein A1; minus strand), APOA1-AS (APOA1 antisense RNA; plus strand). Cytogenetic location: 11q23.3.
Variant type: single nucleotide variant.
Coding change: c.28G>A on transcript NM_000039.3 (MANE Select); coding-DNA position 28, G replaced by A.
Protein change: p.Val10Met; replaces valine 10 with methionine.
Molecular consequence: missense variant.
Genome position (GRCh38, 1-based): chr11:116,837,360, C>T on the plus strand (G>A on the coding strand, the complement: APOA1 is on the minus strand). VCF-style: chr11-116837360-C-T. GRCh37 (hg19) VCF-style: chr11-116708076-C-T.
Other names: c.28G>A, p.Val10Met (NM_001318017.2, NM_001318018.2); c.-256G>A (NM_001318021.2); short protein forms V10M.
Identifiers: ClinVar variation 302510 (VCV000302510.15), dbSNP rs750125257, ClinGen allele CA6289929.

ClinVar aggregate classification (germline): Conflicting classifications of pathogenicity. Review status: criteria provided, conflicting classifications (1 of 4 stars). 5 submissions from 4 submitters: Uncertain significance (3); Benign (2). Last evaluated 2025-11-03.

Conditions:
Cardiovascular phenotype. Identifiers: MedGen CN230736.
Familial visceral amyloidosis, Ostertag type (AMYLD2). Also called: AMYLOIDOSIS VIII; Ostertag type amyloidosis; Familial visceral amyloidosis; Amyloidosis, hepatic and systemic; AMYLOIDOSIS, HEREDITARY SYSTEMIC 2; Hereditary Renal Amyloidosis. Identifiers: Orphanet 85450, MedGen C0268389, MONDO:0007099, OMIM 105200.
Hypoalphalipoproteinemia, primary, 1. Identifiers: Orphanet 425, MedGen C5231558, MONDO:0011393, OMIM 604091.
Hypoalphalipoproteinemia, primary, 2. Also called: HIGH DENSITY LIPOPROTEIN DEFICIENCY; HYPOALPHALIPOPROTEINEMIA, PRIMARY, 2, AUTOSOMAL RECESSIVE. Identifiers: MedGen C5551172, MONDO:0032766, OMIM 618463.
Hypoalphalipoproteinemia, primary, 2, intermediate. Also called: HYPOALPHALIPOPROTEINEMIA, PRIMARY, 2, AUTOSOMAL DOMINANT. Identifiers: MedGen C5677030, MONDO:0859238, OMIM 619836.
Familial amyloid polyneuropathy, Iowa type (AMYLD3). Also called: Familial amyloid polyneuropathy type III; AMYLOIDOSIS, HEREDITARY SYSTEMIC 3; AMYLOIDOSIS, IOWA TYPE; AMYLOIDOSIS, VAN ALLEN TYPE; AMYLOIDOSIS, TYPE III; AMYLOIDOSIS, TYPE IV. Identifiers: MedGen C4551500, MONDO:0971008, OMIM 620657.

Allele frequency attached by ClinVar (database versions not stated): gnomAD 0.00003; gnomAD exomes 0.00004 and 0.00009; TOPMed 0.00005; ExAC 0.00015.
gnomAD v4.1: 57 of 1,564,270 alleles (0.0036%); highest among the groups gnomAD compares: South Asian, 0.007%; no homozygotes.

Submissions (5):

Labcorp Genetics (formerly Invitae), Labcorp
Classification: Uncertain significance. Last evaluated: 2025-11-03. Review status: criteria provided, single submitter. Criteria: Invitae Variant Classification Sherloc (09022015). Collection method: clinical testing. Allele origin: germline.
Comment: This sequence change replaces valine, which is neutral and non-polar, with methionine, which is neutral and non-polar, at codon 10 of the APOA1 protein (p.Val10Met). The frequency data for this variant in the population databases is considered unreliable, as metrics indicate poor data quality at this position in the gnomAD database. This variant has not been reported in the literature in individuals affected with APOA1-related conditions. ClinVar contains an entry for this variant (Variation ID: 302510). Invitae Evidence Modeling of protein sequence and biophysical properties (such as structural, functional, and spatial information, amino acid conservation, physicochemical variation, residue mobility, and thermodynamic stability) has been performed for this missense variant. However, the output from this modeling did not meet the statistical confidence thresholds required to predict the impact of this variant on APOA1 protein function. In summary, the available evidence is currently insufficient to determine the role of this variant in disease. Therefore, it has been classified as a Variant of Uncertain Significance.

Fulgent Genetics
Classification: Uncertain significance for Hypoalphalipoproteinemia, primary, 2; Hypoalphalipoproteinemia, primary, 2, intermediate; Familial amyloid polyneuropathy, Iowa type. Last evaluated: 2024-01-13. Review status: criteria provided, single submitter. Criteria: ACMG Guidelines, 2015. Collection method: clinical testing. Allele origin: germline.

Ambry Genetics
Classification: Uncertain significance for Cardiovascular phenotype. Last evaluated: 2022-10-11. Review status: criteria provided, single submitter. Criteria: Ambry Variant Classification Scheme 2023. Collection method: clinical testing. Allele origin: germline.

Illumina Laboratory Services, Illumina
Classification: Benign for Hypoalphalipoproteinemia, primary, 1. Last evaluated: 2018-01-13. Review status: criteria provided, single submitter. Criteria: ICSL Variant Classification Criteria 13 December 2019. Collection method: clinical testing. Allele origin: germline.
Comment: This variant was observed in the ICSL laboratory as part of a predisposition screen in an ostensibly healthy population. It had not been previously curated by ICSL or reported in the Human Gene Mutation Database (HGMD: prior to June 1st, 2018), and was therefore a candidate for classification through an automated scoring system. Utilizing variant allele frequency, disease prevalence and penetrance estimates, and inheritance mode, an automated score was calculated to assess if this variant is too frequent to cause the disease. Based on the score and internal cut-off values, a variant classified as benign is not then subjected to further curation. The score for this variant resulted in a classification of benign for this disease.

Illumina Laboratory Services, Illumina
Classification: Benign for Familial visceral amyloidosis, Ostertag type. Last evaluated: 2018-01-13. Review status: criteria provided, single submitter. Criteria: ICSL Variant Classification Criteria 13 December 2019. Collection method: clinical testing. Allele origin: germline.
Comment: the same text as in the submission from Illumina Laboratory Services, Illumina above.